The following is an entry in ClinVar:

ClinVar aggregate classification (germline): Uncertain significance. Review status: criteria provided, multiple submitters, no conflicts (2 of 4 stars). 2 submissions from 2 submitters: Uncertain significance (2). Last evaluated 2024-10-22.

Submissions (2):

Labcorp Genetics (formerly Invitae), Labcorp
Classification: Uncertain significance. Last evaluated: 2024-10-22. Review status: criteria provided, single submitter. Criteria: Invitae Variant Classification Sherloc (09022015). Collection method: clinical testing. Allele origin: germline.
Comment: This sequence change replaces serine, which is neutral and polar, with threonine, which is neutral and polar, at codon 172 of the ARHGEF18 protein (p.Ser172Thr). This variant is not present in population databases (gnomAD no frequency). This variant has not been reported in the literature in individuals affected with ARHGEF18-related conditions. ClinVar contains an entry for this variant (Variation ID: 1956411). An algorithm developed to predict the effect of missense changes on protein structure and function (PolyPhen-2) suggests that this variant is likely to be tolerated. In summary, the available evidence is currently insufficient to determine the role of this variant in disease. Therefore, it has been classified as a Variant of Uncertain Significance.

Blueprint Genetics
Classification: Uncertain significance. Last evaluated: 2019-01-29. Review status: criteria provided, single submitter. Criteria: ACMG Guidelines, 2015. Collection method: clinical testing. Allele origin: germline.

NM_001367823.1(ARHGEF18):c.1079G>C (p.Ser360Thr)

Gene: ARHGEF18 (Rho/Rac guanine nucleotide exchange factor 18; plus strand). Cytogenetic location: 19p13.2.
Variant type: single nucleotide variant.
Coding change: c.1079G>C on transcript NM_001367823.1 (MANE Select); coding-DNA position 1079, G replaced by C.
Protein change: p.Ser360Thr; replaces serine 360 with threonine.
Molecular consequence: missense variant.
Genome position (GRCh38, 1-based): chr19:7,440,455, G>C. VCF-style: chr19-7440455-G-C. GRCh37 (hg19) VCF-style: chr19-7505341-G-C.
Other names: c.353G>C, p.Ser118Thr (NM_001130955.2); c.41G>C, p.Ser14Thr (NM_001367824.1, NM_015318.4); short protein forms S360T, S14T, S118T.
Identifiers: ClinVar variation 1956411 (VCV001956411.6), dbSNP rs1974570149, ClinGen allele CA403097107.